The following is an entry in ClinVar:

ClinVar aggregate classification (germline): Likely pathogenic (1 of 4 stars; one submission).

Conditions:
Meckel-Gruber syndrome. Also called: DYSENCEPHALIA SPLANCHNOCYSTICA; GRUBER SYNDROME; Dysencephalia splachnocystica. Identifiers: Orphanet 564, MedGen C0265215, MONDO:0018921.
Joubert syndrome. Also called: CEREBELLOPARENCHYMAL DISORDER IV; JOUBERT-BOLTSHAUSER SYNDROME; Familial aplasia of the vermis. Identifiers: Orphanet 475, MedGen C5979921, MONDO:0018772.

Submission:

Labcorp Genetics (formerly Invitae), Labcorp
Classification: Likely pathogenic for Joubert syndrome; Meckel-Gruber syndrome. Last evaluated: 2022-01-15. Review status: criteria provided, single submitter. Criteria: Invitae Variant Classification Sherloc (09022015). Collection method: clinical testing. Allele origin: germline.
Comment: In summary, the currently available evidence indicates that the variant is pathogenic, but additional data are needed to prove that conclusively. Therefore, this variant has been classified as Likely Pathogenic. This variant disrupts a region of the MKS1 protein in which other variant(s) (p.Arg534Gln) have been observed in individuals with MKS1-related conditions (PMID: 24608809). This suggests that this is a clinically significant region of the protein, and that variants that disrupt it are likely to be disease-causing. Experimental studies and prediction algorithms are not available or were not evaluated, and the effect of this variant on mRNA splicing is currently unknown. This variant has not been reported in the literature in individuals affected with MKS1-related conditions. This variant is not present in population databases (gnomAD no frequency). This variant results in the deletion of part of exons 17 and 18 (c.1522_1638del) of the MKS1 gene. This variant would be expected to be in-frame, preserving the integrity of the reading frame.

Literature cited by the submitters: PubMed 24608809.

NM_017777.4(MKS1):c.1522_1638del117 (p.Arg508_Leu546del)

Gene: MKS1 (MKS transition zone complex subunit 1; minus strand). Cytogenetic location: 17q22.
Variant type: Deletion.
Coding change: c.1522_1638del117 on transcript NM_017777.4 (MANE Select); coding-DNA positions 1522 to 1638, 117 bases deleted.
Protein change: p.Arg508_Leu546del.
Molecular consequence: splice acceptor variant, splice donor variant, inframe deletion. On other transcripts: stop lost (1).
Genome position: GRCh38: chr17:58,206,121-58,206,349. GRCh37 (hg19): chr17:56,283,482-56,283,710.
Other names: c.913_1029del117, p.Arg305_Leu343del (NM_001321268.2); c.1439_1555del117, p.Lys480_Pro519delinsThr (NM_001321269.2); c.1305_*50del117, p.Lys435_Ter457delinsXaa (NM_001330397.2).
Identifiers: ClinVar variation 1480979 (VCV001480979.8), ClinGen allele CA2573154370.